The following is an entry in ClinVar:

NM_001715.3(BLK):c.711C>T (p.Pro237=)

Genes: BLK (BLK proto-oncogene, Src family tyrosine kinase), BLK-AS1 (BLK antisense RNA 1). Cytogenetic location: 8p23.1.
Variant type: single nucleotide variant.
Coding change: c.711C>T on transcript NM_001715.3 (MANE Select); coding-DNA position 711, C replaced by T.
Protein change: p.Pro237=; no amino-acid change (proline 237 retained).
Molecular consequence: synonymous variant.
Genome position (GRCh38, 1-based): chr8:11,555,423, C>T. VCF-style: chr8-11555423-C-T. GRCh37 (hg19) VCF-style: chr8-11412932-C-T.
Other names: c.498C>T, p.Pro166= (NM_001330465.2).
Identifiers: ClinVar variation 361485 (VCV000361485.44), dbSNP rs143699141, ClinGen allele CA4630048.
Genomic context (GRCh38, chr8:11,555,423, plus strand): 5'-CCTGCCCTGTGTGCGCCCGGCCCCGCAGAATCCCTGGGCCCAGGATGAATGGGAGATCCC[C>T]CGGCAGTCTCTCAGGCTGGTCAGGAAACTCGGGTCTGGACAATTCGGCGAAGTCTGGATG-3'
Protein context (NP_001706.2, residues 227-247): NPWAQDEWEI[Pro237=]RQSLRLVRKL

ClinVar aggregate classification (germline): Benign/Likely benign. Review status: criteria provided, multiple submitters, no conflicts (2 of 4 stars). 10 submissions from 10 submitters: Benign (2); Likely benign (4). 4 of the submissions do not count toward it. Last evaluated 2026-03-01.

Conditions:
Maturity-onset diabetes of the young type 11. Identifiers: Orphanet 552, MedGen C3150618, MONDO:0013242, OMIM 613375.
BLK-related disorder. Also called: BLK-related condition.
Systemic lupus erythematosus (SLE). Identifiers: Orphanet 536, MedGen C0024141, MONDO:0007915, OMIM 152700, HP:0002725.

Allele frequency attached by ClinVar (database versions not stated): TOPMed 0.00090; 1000 Genomes Project 30x 0.00109; 1000 Genomes Project 0.00120; gnomAD exomes 0.00130 and 0.00161; ESP Exome Variant Server 0.00146; ExAC 0.00160; gnomAD 0.00163 and 0.00174.
gnomAD v4.1: 2,110 of 1,614,168 alleles (0.13%); highest among the groups gnomAD compares: Non-Finnish European, 0.14%; 5 homozygotes.

Submissions (10):

CeGaT Center for Human Genetics Tuebingen
Classification: Likely benign. Last evaluated: 2026-03-01. Review status: criteria provided, single submitter. Criteria: CeGaT Center For Human Genetics Tuebingen Variant Classification Criteria Version 2. Collection method: clinical testing. Allele origin: germline. Affected: yes. Observed: 5 variant alleles.
Comment: BLK: BP4, BP7, BS1

Labcorp Genetics (formerly Invitae), Labcorp
Classification: Benign. Last evaluated: 2025-12-06. Review status: criteria provided, single submitter. Criteria: Invitae Variant Classification Sherloc (09022015). Collection method: clinical testing. Allele origin: germline.

Blueprint Genetics
Classification: Likely benign. Last evaluated: 2024-11-27. Review status: criteria provided, single submitter. Criteria: ACMG Guidelines, 2015. Collection method: clinical testing. Allele origin: germline.

GeneDx
Classification: Likely benign. Last evaluated: 2020-10-27. Review status: criteria provided, single submitter. Criteria: GeneDx Variant Classification Process June 2021. Collection method: clinical testing. Allele origin: germline. Affected: yes.

Illumina Laboratory Services, Illumina
Classification: Likely benign for Maturity-onset diabetes of the young type 11. Last evaluated: 2018-01-12. Review status: criteria provided, single submitter. Criteria: ICSL Variant Classification Criteria 13 December 2019. Collection method: clinical testing. Allele origin: germline.
Comment: This variant was observed in the ICSL laboratory as part of a predisposition screen in an ostensibly healthy population. It had not been previously curated by ICSL or reported in the Human Gene Mutation Database (HGMD: prior to June 1st, 2018), and was therefore a candidate for classification through an automated scoring system. Utilizing variant allele frequency, disease prevalence and penetrance estimates, and inheritance mode, an automated score was calculated to assess if this variant is too frequent to cause the disease. Based on the score and internal cut-off values, a variant classified as likely benign is not then subjected to further curation. The score for this variant resulted in a classification of likely benign for this disease.

Clinical Genomics, Uppaluri K&H Personalized Medicine Clinic
Classification: Benign for Systemic lupus erythematosus. Review status: criteria provided, single submitter. Criteria: K & H Uppaluri Personalized Medicine Clinic Variant Classification & Assertion Criteria_Updated V.1. Collection method: research. Allele origin: unknown.
Comment: BLK gene is associated with Systemic lupus erythematosus, sjogren's syndrome and other systemic inflammatory conditions. However no sufficient evidence is found to ascertain the role of this particular variant rs143699141, yet.

PreventionGenetics, part of Exact Sciences
Classification: Benign for BLK-related condition. Last evaluated: 2020-05-22. Review status: no assertion criteria provided. Collection method: clinical testing. Allele origin: germline. Not counted in ClinVar's aggregate classification.
Comment: This variant is classified as benign based on ACMG/AMP sequence variant interpretation guidelines (Richards et al. 2015 PMID: 25741868, with internal and published modifications).

Clinical Genetics DNA and cytogenetics Diagnostics Lab, Erasmus MC, Erasmus Medical Center
Classification: Likely benign. Review status: no assertion criteria provided. Collection method: clinical testing. Allele origin: germline. Affected: yes. Study: VKGL Data-share Consensus. Not counted in ClinVar's aggregate classification.

Genome Diagnostics Laboratory, University Medical Center Utrecht
Classification: Likely benign. Review status: no assertion criteria provided. Collection method: clinical testing. Allele origin: germline. Affected: yes. Study: VKGL Data-share Consensus. Not counted in ClinVar's aggregate classification.

Laboratory of Diagnostic Genome Analysis, Leiden University Medical Center (LUMC)
Classification: Likely benign. Review status: no assertion criteria provided. Collection method: clinical testing. Allele origin: germline. Affected: yes. Study: VKGL Data-share Consensus. Not counted in ClinVar's aggregate classification.

Literature cited by the submitters: PubMed 32313195 (cited by Clinical Genomics, Uppaluri K&H Personalized Medicine Clinic); PubMed 19667185 (cited by Clinical Genomics, Uppaluri K&H Personalized Medicine Clinic); PubMed 18204098 (cited by Clinical Genomics, Uppaluri K&H Personalized Medicine Clinic); PubMed 24023612 (cited by Clinical Genomics, Uppaluri K&H Personalized Medicine Clinic); PubMed 31670388 (cited by Clinical Genomics, Uppaluri K&H Personalized Medicine Clinic).